The following is an entry in ClinVar:

ClinVar aggregate classification (germline): Uncertain significance (1 of 4 stars; one submission).

Conditions:
Familial adenomatous polyposis 2. Also called: FAP type 2; COLORECTAL ADENOMATOUS POLYPOSIS, AUTOSOMAL RECESSIVE; ADENOMAS, MULTIPLE COLORECTAL, AUTOSOMAL RECESSIVE; MYH-associated polyposis; MUTYH Polyposis; Adenomas, multiple colorectal. Identifiers: Orphanet 220460, Orphanet 247798, MedGen C3272841, MONDO:0012041, OMIM 608456.

Submission:

Labcorp Genetics (formerly Invitae), Labcorp
Classification: Uncertain significance for Familial adenomatous polyposis 2. Last evaluated: 2025-02-12. Review status: criteria provided, single submitter. Criteria: Invitae Variant Classification Sherloc (09022015). Collection method: clinical testing. Allele origin: germline.
Comment: This sequence change falls in intron 14 of the MUTYH gene. It does not directly change the encoded amino acid sequence of the MUTYH protein. It affects a nucleotide within the consensus splice site. This variant is not present in population databases (gnomAD no frequency). This variant has not been reported in the literature in individuals affected with MUTYH-related conditions. Variants that disrupt the consensus splice site are a relatively common cause of aberrant splicing (PMID: 17576681, 9536098). Algorithms developed to predict the effect of sequence changes on RNA splicing suggest that this variant is not likely to affect RNA splicing. In summary, the available evidence is currently insufficient to determine the role of this variant in disease. Therefore, it has been classified as a Variant of Uncertain Significance.

Literature cited by the submitters: PubMed 17576681; PubMed 9536098.

NM_001048174.2(MUTYH):c.1392+5del

Gene: MUTYH (mutY DNA glycosylase; minus strand). Cytogenetic location: 1p34.1.
Variant type: Deletion.
Coding change: c.1392+5del on transcript NM_001048174.2 (MANE Select); 5 bases into the intron after coding-DNA position 1392, one base deleted (T; older notation c.1392+5delT).
Molecular consequence: intron variant.
Genome position (GRCh38, 1-based): chr1:45,331,177, A deleted on the plus strand (T on the coding strand, the reverse complement: MUTYH is on the minus strand). VCF-style (leftmost placement, unchanged base first): chr1-45331176-TA-T. GRCh37 (hg19) VCF-style: chr1-45796848-TA-T.
Other names: c.1392+5del (NM_001407072.1, NM_001407073.1, NM_001048171.2 and 6 more transcripts); c.1047+5del (NM_001350651.2, NM_001350650.2, NM_001407082.1); c.1116+5del (NM_001293192.2, NM_001293196.2, NM_001407091.1); c.1437+5del (NM_001293190.2); c.1425+5del (NM_001407069.1, NM_001407077.1, NM_001293191.2); c.1467+5del (NM_012222.3); c.1476+5del (NM_001128425.2); c.1395+5del (NM_001407071.1, NM_001048172.2, NM_001407078.1 and 1 more transcripts); and 5 more.
Identifiers: ClinVar variation 4712888 (VCV004712888.1).